The following is an entry in ClinVar:

NM_000487.6(ARSA):c.602C>T (p.Ala201Val)

Gene: ARSA (arylsulfatase A; minus strand). Cytogenetic location: 22q13.33.
Variant type: single nucleotide variant.
Coding change: c.602C>T on transcript NM_000487.6 (MANE Select); coding-DNA position 602, C replaced by T.
Protein change: p.Ala201Val; replaces alanine 201 with valine.
Molecular consequence: missense variant.
Genome position (GRCh38, 1-based): chr22:50,626,916, G>A on the plus strand (C>T on the coding strand, the complement: ARSA is on the minus strand). VCF-style: chr22-50626916-G-A. GRCh37 (hg19) VCF-style: chr22-51065344-G-A.
Other names: c.602C>T, p.Ala201Val (NM_001085425.3, NM_001085426.3, NM_001085427.3); c.344C>T, p.Ala115Val (NM_001085428.3, NM_001362782.2); short protein forms A115V, A201V.
Identifiers: ClinVar variation 4686362 (VCV004686362.1), dbSNP rs1445571298.
Genomic context (GRCh38, chr22:50,626,916, plus strand): 5'-AAGGGGCGATCCTGGCGCTGGGCGTCGGCCATGAGGTCATGGGCGAAAGCCATGTAGCGG[G>A]CCTCTAGTCCGGGCAGCCAGGGGGGCTGCGCCTCCACGGACAGGTTGGCCAACAGTGGGA-3'
Protein context (NP_000478.3, residues 191-211): AQPPWLPGLE[Ala201Val]RYMAFAHDLM

ClinVar aggregate classification (germline): Uncertain significance (1 of 4 stars; one submission).

Allele frequency attached by ClinVar (database versions not stated): gnomAD 0.00001; gnomAD exomes below 0.00001; TOPMed 0.00001.

Submission:

GeneDx
Classification: Uncertain significance. Last evaluated: 2026-01-20. Review status: criteria provided, single submitter. Criteria: GeneDx Variant Classification Process June 2021. Collection method: clinical testing. Allele origin: germline. Affected: yes.
Comment: Published functional studies found that this variant retains significant residual enzyme activity (PMID: 37480112); In silico analysis suggests that this missense variant does not alter protein structure/function; Not observed at significant frequency in large population cohorts (gnomAD); This variant is associated with the following publications: (PMID: 37480112)